The following is an entry in ClinVar:

ClinVar aggregate classification (germline): Uncertain significance. Review status: criteria provided, multiple submitters, no conflicts (2 of 4 stars). 2 submissions from 2 submitters: Uncertain significance (2). Last evaluated 2025-04-04.

Conditions:
Frasier syndrome. Identifiers: Orphanet 347, MedGen C0950122, MeSH D052159, MONDO:0007635, OMIM 136680.
Drash syndrome (DDS). Also called: WILMS TUMOR AND PSEUDO- OR TRUE HERMAPHRODITISM; NEPHROPATHY, WILMS TUMOR, AND GENITAL ANOMALIES. Identifiers: Orphanet 220, MedGen C0950121, MONDO:0008682, OMIM 194080.
Wilms tumor 1 (WT1). Also called: Wilms tumor, somatic. Identifiers: Orphanet 654, MedGen CN033288, MONDO:0008679, OMIM 194070.
11p partial monosomy syndrome (WAGR). Also called: WAGR Complex; WAGR Spectrum Disorder; WAGR syndrome; CHROMOSOME 11p13 DELETION SYNDROME. Identifiers: Orphanet 893, MedGen C0206115, MONDO:0008681, OMIM 194072.
Inborn genetic diseases. Identifiers: MedGen C0950123, MeSH D030342.

Allele frequency attached by ClinVar (database versions not stated): gnomAD exomes below 0.00001.
gnomAD v4.1: 2 of 1,613,752 alleles (0.00012%); highest among the groups gnomAD compares: Non-Finnish European, 0.00017%; no homozygotes.

Submissions (2):

Ambry Genetics
Classification: Uncertain significance for Inborn genetic diseases. Last evaluated: 2025-04-04. Review status: criteria provided, single submitter. Criteria: Ambry Variant Classification Scheme 2023. Collection method: clinical testing. Allele origin: germline.
Comment: The p.D367H variant (also known as c.1099G>C) is located in coding exon 7 of the WT1 gene. The aspartic acid at codon 367 is replaced by histidine, an amino acid with similar properties. This change occurs in the first base pair of coding exon 7. This amino acid position is conserved. In addition, this alteration is predicted to be deleterious by in silico analysis. Based on the available evidence, the clinical significance of this variant remains unclear.

Labcorp Genetics (formerly Invitae), Labcorp
Classification: Uncertain significance for Wilms tumor 1; Drash syndrome; 11p partial monosomy syndrome; Frasier syndrome. Last evaluated: 2022-03-22. Review status: criteria provided, single submitter. Criteria: Invitae Variant Classification Sherloc (09022015). Collection method: clinical testing. Allele origin: germline.
Comment: This sequence change replaces aspartic acid, which is acidic and polar, with histidine, which is basic and polar, at codon 367 of the WT1 protein (p.Asp367His). This variant is not present in population databases (gnomAD no frequency). This variant has not been reported in the literature in individuals affected with WT1-related conditions. Algorithms developed to predict the effect of missense changes on protein structure and function (SIFT, PolyPhen-2, Align-GVGD) all suggest that this variant is likely to be disruptive. In summary, the available evidence is currently insufficient to determine the role of this variant in disease. Therefore, it has been classified as a Variant of Uncertain Significance.

NM_024426.6(WT1):c.1114G>C (p.Asp372His)

Gene: WT1 (WT1 transcription factor; minus strand). Cytogenetic location: 11p13.
Variant type: single nucleotide variant.
Coding change: c.1114G>C on transcript NM_024426.6 (MANE Select); coding-DNA position 1114, G replaced by C.
Protein change: p.Asp372His; replaces aspartic acid 372 with histidine.
Molecular consequence: missense variant. On other transcripts: 5 prime UTR variant (1), non-coding transcript variant (1).
Genome position (GRCh38, 1-based): chr11:32,396,407, C>G on the plus strand (G>C on the coding strand, the complement: WT1 is on the minus strand). VCF-style: chr11-32396407-C-G. GRCh37 (hg19) VCF-style: chr11-32417953-C-G.
Other names: c.1063G>C, p.Asp355His (NM_000378.6, NM_001407045.1, NM_001407048.1 and 1 more transcripts); c.463G>C, p.Asp155His (NM_001198551.2); c.412G>C, p.Asp138His (NM_001198552.2); c.-75G>C (NM_001367854.1); c.1108G>C, p.Asp370His (NM_001407044.1); c.1114G>C, p.Asp372His (NM_001407046.1, NM_024424.5); c.991G>C, p.Asp331His (NM_001407047.1); c.940G>C, p.Asp314His (NM_001407050.1); and 3 more; short protein forms D155H, D314H, D350H, D370H, D331H, D118H, D355H, D372H.
Identifiers: ClinVar variation 2200708 (VCV002200708.2), dbSNP rs2132942337, ClinGen allele CA379960083.